The following is an entry in ClinVar:

ClinVar aggregate classification (germline): Uncertain significance. Review status: criteria provided, multiple submitters, no conflicts (2 of 4 stars). 2 submissions from 2 submitters: Uncertain significance (2). Last evaluated 2025-07-29.

Conditions:
Hereditary cancer-predisposing syndrome. Also called: Neoplastic Syndromes, Hereditary; Tumor predisposition; Hereditary Cancer Syndrome; Hereditary neoplastic syndrome. Identifiers: Orphanet 140162, MedGen C0027672, MeSH D009386, MONDO:0015356.
Familial cancer of breast. Also called: hereditary breast carcinoma; BREAST CANCER, FAMILIAL; Hereditary breast cancer. Identifiers: Orphanet 227535, MedGen C0346153, MONDO:0016419, OMIM 114480. Disease mechanism: loss of function.

Submissions (2):

Labcorp Genetics (formerly Invitae), Labcorp
Classification: Uncertain significance for Familial cancer of breast. Last evaluated: 2025-07-29. Review status: criteria provided, single submitter. Criteria: Invitae Variant Classification Sherloc (09022015). Collection method: clinical testing. Allele origin: germline.
Comment: This sequence change replaces arginine, which is basic and polar, with lysine, which is basic and polar, at codon 131 of the PALB2 protein (p.Arg131Lys). This variant is not present in population databases (gnomAD no frequency). This variant has not been reported in the literature in individuals affected with PALB2-related conditions. ClinVar contains an entry for this variant (Variation ID: 652945). An algorithm developed to predict the effect of missense changes on protein structure and function outputs the following: PolyPhen-2: "Benign". The lysine amino acid residue is found in multiple mammalian species, which suggests that this missense change does not adversely affect protein function. RNA analysis performed to evaluate the impact of this missense change on mRNA splicing indicates it does not significantly alter splicing (internal data). In summary, the available evidence is currently insufficient to determine the role of this variant in disease. Therefore, it has been classified as a Variant of Uncertain Significance.

Ambry Genetics
Classification: Uncertain significance for Hereditary cancer-predisposing syndrome. Last evaluated: 2020-10-28. Review status: criteria provided, single submitter. Criteria: Ambry Variant Classification Scheme 2023. Collection method: clinical testing. Allele origin: germline.
Comment: The p.R131K variant (also known as c.392G>A), located in coding exon 4 of the PALB2 gene, results from a G to A substitution at nucleotide position 392. The arginine at codon 131 is replaced by lysine, an amino acid with highly similar properties. This amino acid position is not well conserved in available vertebrate species. In addition, this alteration is predicted to be tolerated by in silico analysis. Since supporting evidence is limited at this time, the clinical significance of this alteration remains unclear.

NM_024675.4(PALB2):c.392G>A (p.Arg131Lys)

Gene: PALB2 (partner and localizer of BRCA2; minus strand). Cytogenetic location: 16p12.2.
Variant type: single nucleotide variant.
Coding change: c.392G>A on transcript NM_024675.4 (MANE Select); coding-DNA position 392, G replaced by A.
Protein change: p.Arg131Lys; replaces arginine 131 with lysine.
Molecular consequence: missense variant.
Genome position (GRCh38, 1-based): chr16:23,636,154, C>T on the plus strand (G>A on the coding strand, the complement: PALB2 is on the minus strand). VCF-style: chr16-23636154-C-T. GRCh37 (hg19) VCF-style: chr16-23647475-C-T.
Other names: short protein forms R131K.
Identifiers: ClinVar variation 652945 (VCV000652945.12), dbSNP rs1597099403, ClinGen allele CA395137435.